The following is an entry in ClinVar:

NM_005629.4(SLC6A8):c.157G>C (p.Glu53Gln)

Gene: SLC6A8 (solute carrier family 6 member 8; plus strand). Cytogenetic location: Xq28.
Variant type: single nucleotide variant.
Coding change: c.157G>C on transcript NM_005629.4 (MANE Select); coding-DNA position 157, G replaced by C.
Protein change: p.Glu53Gln; replaces glutamic acid 53 with glutamine.
Molecular consequence: missense variant.
Genome position (GRCh38, 1-based): chrX:153,688,731, G>C. VCF-style: chrX-153688731-G-C. GRCh37 (hg19) VCF-style: chrX-152954186-G-C.
Other names: c.157G>C, p.Glu53Gln (NM_001142805.2); short protein forms E53Q.
Identifiers: ClinVar variation 3770007 (VCV003770007.2).

ClinVar aggregate classification (germline): Uncertain significance (1 of 4 stars; one submission).

Submission:

GeneDx
Classification: Uncertain significance. Last evaluated: 2025-07-14. Review status: criteria provided, single submitter. Criteria: GeneDx Variant Classification Process June 2021. Collection method: clinical testing. Allele origin: germline.
Comment: Not observed at significant frequency in large population cohorts (gnomAD); In silico analysis suggests that this missense variant does not alter protein structure/function; Has not been previously published as pathogenic or benign to our knowledge